The following is an entry in ClinVar:

NM_198271.5(LMOD3):c.1657G>A (p.Val553Met)

Gene: LMOD3 (leiomodin 3; minus strand). Cytogenetic location: 3p14.1.
Variant type: single nucleotide variant.
Coding change: c.1657G>A on transcript NM_198271.5 (MANE Select); coding-DNA position 1657, G replaced by A.
Protein change: p.Val553Met; replaces valine 553 with methionine.
Molecular consequence: missense variant.
Genome position (GRCh38, 1-based): chr3:69,109,121, C>T on the plus strand (G>A on the coding strand, the complement: LMOD3 is on the minus strand). VCF-style: chr3-69109121-C-T. GRCh37 (hg19) VCF-style: chr3-69158272-C-T.
Other names: c.1657G>A, p.Val553Met (NM_001304418.3); short protein forms V553M.
Identifiers: ClinVar variation 856212 (VCV000856212.6), dbSNP rs762946989, ClinGen allele CA2488691.

ClinVar aggregate classification (germline): Uncertain significance. Review status: criteria provided, multiple submitters, no conflicts (2 of 4 stars). 2 submissions from 2 submitters: Uncertain significance (2). Last evaluated 2025-08-18.

Conditions:
Nemaline myopathy 10 (NEM10). Identifiers: MedGen C4015360, MONDO:0014513, OMIM 616165.

Allele frequency attached by ClinVar (database versions not stated): TOPMed below 0.00001; gnomAD 0.00001; gnomAD exomes 0.00001; ExAC 0.00002.
gnomAD v4.1: 9 of 1,602,136 alleles (0.00056%); highest among the groups gnomAD compares: South Asian, 0.0079%; no homozygotes.

Submissions (2):

Labcorp Genetics (formerly Invitae), Labcorp
Classification: Uncertain significance for Nemaline myopathy 10. Last evaluated: 2025-08-18. Review status: criteria provided, single submitter. Criteria: Invitae Variant Classification Sherloc (09022015). Collection method: clinical testing. Allele origin: germline.
Comment: This sequence change replaces valine, which is neutral and non-polar, with methionine, which is neutral and non-polar, at codon 553 of the LMOD3 protein (p.Val553Met). The frequency data for this variant in the population databases is considered unreliable, as metrics indicate poor data quality at this position in the gnomAD database. This variant has not been reported in the literature in individuals affected with LMOD3-related conditions. ClinVar contains an entry for this variant (Variation ID: 856212). An algorithm developed to predict the effect of missense changes on protein structure and function (PolyPhen-2) suggests that this variant is likely to be disruptive. In summary, the available evidence is currently insufficient to determine the role of this variant in disease. Therefore, it has been classified as a Variant of Uncertain Significance.

Department of Pathology and Laboratory Medicine, Sinai Health System
Classification: Uncertain significance for Nemaline myopathy 10. Last evaluated: 2021-09-10. Review status: criteria provided, single submitter. Criteria: ACMG Guidelines, 2015. Collection method: research. Allele origin: germline.